The following is an entry in ClinVar:

ClinVar aggregate classification (germline): Uncertain significance (1 of 4 stars; one submission).

Conditions:
Hereditary cancer-predisposing syndrome. Also called: Neoplastic Syndromes, Hereditary; Tumor predisposition; Hereditary Cancer Syndrome; Hereditary neoplastic syndrome. Identifiers: Orphanet 140162, MedGen C0027672, MeSH D009386, MONDO:0015356.

Submission:

Ambry Genetics
Classification: Uncertain significance for Hereditary cancer-predisposing syndrome. Last evaluated: 2026-04-15. Review status: criteria provided, single submitter. Criteria: Ambry Variant Classification Scheme 2023. Collection method: clinical testing. Allele origin: germline.
Comment: The p.L686R variant (also known as c.2057T>G), located in coding exon 10 of the BRCA2 gene, results from a T to G substitution at nucleotide position 2057. The leucine at codon 686 is replaced by arginine, an amino acid with dissimilar properties. This amino acid position is well conserved in available vertebrate species. In addition, the in silico prediction for this alteration is inconclusive. Based on the available evidence, the clinical significance of this variant remains unclear.

NM_000059.4(BRCA2):c.2057T>G (p.Leu686Arg)

Gene: BRCA2 (BRCA2 DNA repair associated; plus strand). Cytogenetic location: 13q13.1.
Variant type: single nucleotide variant.
Coding change: c.2057T>G on transcript NM_000059.4 (MANE Select); coding-DNA position 2057, T replaced by G.
Protein change: p.Leu686Arg; replaces leucine 686 with arginine.
Molecular consequence: missense variant. On other transcripts: non-coding transcript variant (1), intron variant (2).
Genome position (GRCh38, 1-based): chr13:32,336,412, T>G. VCF-style: chr13-32336412-T-G. GRCh37 (hg19) VCF-style: chr13-32910549-T-G.
Other names: c.2057T>G, p.Leu686Arg (NM_001406719.1, NM_001406720.1, NM_001432077.1); c.1909+3025T>G (NM_001406721.1); c.424+5382T>G (NM_001406722.1); short protein forms L686R.
Identifiers: ClinVar variation 4867815 (VCV004867815.1).